The following is an entry in ClinVar:

ClinVar aggregate classification (germline): Uncertain significance (1 of 4 stars; one submission).

Allele frequency attached by ClinVar (database versions not stated): gnomAD exomes below 0.00001; TOPMed below 0.00001; gnomAD 0.00001; ExAC 0.00004; 1000 Genomes Project 30x 0.00016; 1000 Genomes Project 0.00020.
gnomAD v4.1: 4 of 1,604,348 alleles (0.00025%); highest among the groups gnomAD compares: East Asian, 0.0022%; no homozygotes.

Submission:

GeneDx
Classification: Uncertain significance. Last evaluated: 2022-10-17. Review status: criteria provided, single submitter. Criteria: GeneDx Variant Classification Process June 2021. Collection method: clinical testing. Allele origin: germline. Affected: yes.
Comment: In silico analysis supports that this missense variant does not alter protein structure/function; Has not been previously published as pathogenic or benign to our knowledge

NM_001145809.2(MYH14):c.2209A>G (p.Ile737Val)

Gene: MYH14 (myosin heavy chain 14; plus strand). Cytogenetic location: 19q13.33.
Variant type: single nucleotide variant.
Coding change: c.2209A>G on transcript NM_001145809.2 (MANE Select); coding-DNA position 2209, A replaced by G.
Protein change: p.Ile737Val; replaces isoleucine 737 with valine.
Molecular consequence: missense variant.
Genome position (GRCh38, 1-based): chr19:50,257,463, A>G. VCF-style: chr19-50257463-A-G. GRCh37 (hg19) VCF-style: chr19-50760720-A-G.
Other names: c.2110A>G, p.Ile704Val (NM_001077186.2); c.2086A>G, p.Ile696Val (NM_024729.4); short protein forms I696V, I704V, I737V.
Identifiers: ClinVar variation 2499382 (VCV002499382.1), dbSNP rs201317527, ClinGen allele CA9592816.
Genomic context (GRCh38, chr19:50,257,463, plus strand): 5'-GAGTCCCTGAGCCGCCTCATGGCCACACTCAGCAACACCAACCCCAGTTTTGTCCGCTGC[A>G]TTGTCCCCAACCACGAGAAGAGGGTGAGTGACTCAGCCTGGGGAGGAAGGGGTGGCTGTG-3'
Protein context (NP_001139281.1, residues 727-747): SNTNPSFVRC[Ile737Val]VPNHEKRAGK